The following is an entry in ClinVar:

NM_152783.5(D2HGDH):c.455G>T (p.Arg152Leu)

Gene: D2HGDH (D-2-hydroxyglutarate dehydrogenase; plus strand). Cytogenetic location: 2q37.3.
Variant type: single nucleotide variant.
Coding change: c.455G>T on transcript NM_152783.5 (MANE Select); coding-DNA position 455, G replaced by T.
Protein change: p.Arg152Leu; replaces arginine 152 with leucine.
Molecular consequence: missense variant. On other transcripts: 5 prime UTR variant (1), non-coding transcript variant (1).
Genome position (GRCh38, 1-based): chr2:241,742,539, G>T. VCF-style: chr2-241742539-G-T. GRCh37 (hg19) VCF-style: chr2-242681954-G-T.
Other names: c.53G>T, p.Arg18Leu (NM_001287249.2); c.-90G>T (NM_001352824.2); c.455G>T (NM_152783.3); short protein forms R152L, R18L.
Identifiers: ClinVar variation 2195703 (VCV002195703.5), dbSNP rs374397125, ClinGen allele CA2221659.

ClinVar aggregate classification (germline): Conflicting classifications of pathogenicity. Review status: criteria provided, conflicting classifications (1 of 4 stars). 2 submissions from 2 submitters: Uncertain significance (1); Likely benign (1). Last evaluated 2024-10-15.

Conditions:
Inborn genetic diseases. Identifiers: MedGen C0950123, MeSH D030342.
D-2-hydroxyglutaric aciduria 1 (D2HGA1). Identifiers: Orphanet 79315, MedGen C3152055, MONDO:0024554, OMIM 600721.

gnomAD v4.1: 43 of 1,613,978 alleles (0.0027%); highest among the groups gnomAD compares: Non-Finnish European, 0.0031%; no homozygotes.

Submissions (2):

Labcorp Genetics (formerly Invitae), Labcorp
Classification: Uncertain significance for D-2-hydroxyglutaric aciduria 1. Last evaluated: 2024-10-15. Review status: criteria provided, single submitter. Criteria: Invitae Variant Classification Sherloc (09022015). Collection method: clinical testing. Allele origin: germline.
Comment: This sequence change replaces arginine, which is basic and polar, with leucine, which is neutral and non-polar, at codon 152 of the D2HGDH protein (p.Arg152Leu). This variant is present in population databases (rs374397125, gnomAD 0.006%). This variant has not been reported in the literature in individuals affected with D2HGDH-related conditions. ClinVar contains an entry for this variant (Variation ID: 2195703). Invitae Evidence Modeling of protein sequence and biophysical properties (such as structural, functional, and spatial information, amino acid conservation, physicochemical variation, residue mobility, and thermodynamic stability) indicates that this missense variant is not expected to disrupt D2HGDH protein function with a negative predictive value of 95%. In summary, the available evidence is currently insufficient to determine the role of this variant in disease. Therefore, it has been classified as a Variant of Uncertain Significance.

Ambry Genetics
Classification: Likely benign for Inborn genetic diseases. Last evaluated: 2024-03-11. Review status: criteria provided, single submitter. Criteria: Ambry Variant Classification Scheme 2023. Collection method: clinical testing. Allele origin: germline.